The following is an entry in ClinVar:

NM_001386298.1(CIC):c.6469C>G (p.Pro2157Ala)

Gene: CIC (capicua transcriptional repressor; plus strand). Cytogenetic location: 19q13.2.
Variant type: single nucleotide variant.
Coding change: c.6469C>G on transcript NM_001386298.1 (MANE Select); coding-DNA position 6469, C replaced by G.
Protein change: p.Pro2157Ala; replaces proline 2157 with alanine.
Molecular consequence: missense variant.
Genome position (GRCh38, 1-based): chr19:42,293,228, C>G. VCF-style: chr19-42293228-C-G. GRCh37 (hg19) VCF-style: chr19-42797380-C-G.
Other names: c.6469C>G, p.Pro2157Ala (NM_001304815.2, NM_001379482.1); c.6466C>G, p.Pro2156Ala (NM_001379480.1); c.3742C>G, p.Pro1248Ala (NM_001379484.1, NM_001379485.1, NM_015125.5); short protein forms P1248A, P2156A, P2157A.
Identifiers: ClinVar variation 3253362 (VCV003253362.1), dbSNP rs746056115.
Genomic context (GRCh38, chr19:42,293,228, plus strand): 5'-ACACCACCAGCCCCTCCACCCCTGCCAGAGACCTGGACTCCCACGGCCCGGAGCAGCCCC[C>G]CACTGCCCCCACCTGCTGAGGAGCGGACCAGCGCCAAGGGCCCTGAGACCATGGTGAGCG-3'
Protein context (NP_001373227.1, residues 2147-2167): TWTPTARSSP[Pro2157Ala]LPPPAEERTS

ClinVar aggregate classification (germline): Uncertain significance (1 of 4 stars; one submission).

gnomAD v4.1: 1 of 1,595,852 alleles (0.000063%); no homozygotes.

Submission:

GeneDx
Classification: Uncertain significance. Last evaluated: 2023-06-09. Review status: criteria provided, single submitter. Criteria: GeneDx Variant Classification Process June 2021. Collection method: clinical testing. Allele origin: germline. Affected: yes.
Comment: Not observed at significant frequency in large population cohorts (gnomAD); In silico analysis supports that this missense variant has a deleterious effect on protein structure/function; Has not been previously published as pathogenic or benign to our knowledge